The following is an entry in ClinVar:

NM_004273.5(CHST3):c.634G>A (p.Glu212Lys)

Gene: CHST3 (carbohydrate sulfotransferase 3; plus strand). Cytogenetic location: 10q22.1.
Variant type: single nucleotide variant.
Coding change: c.634G>A on transcript NM_004273.5 (MANE Select); coding-DNA position 634, G replaced by A.
Protein change: p.Glu212Lys; replaces glutamic acid 212 with lysine.
Molecular consequence: missense variant.
Genome position (GRCh38, 1-based): chr10:72,007,665, G>A. VCF-style: chr10-72007665-G-A. GRCh37 (hg19) VCF-style: chr10-73767423-G-A.
Other names: short protein forms E212K.
Identifiers: ClinVar variation 1517008 (VCV001517008.6), dbSNP rs371650865, ClinGen allele CA5548138.

ClinVar aggregate classification (germline): Uncertain significance (1 of 4 stars; one submission).

Conditions:
Spondyloepiphyseal dysplasia with congenital joint dislocations (SEDCJD). Also called: Chondrodysplasia with Congenital Joint Dislocations, CHST3-Related. Identifiers: Orphanet 263463, MedGen C1837657, MONDO:0007738, OMIM 143095.

Allele frequency attached by ClinVar (database versions not stated): ESP Exome Variant Server 0.00008.
gnomAD v4.1: 53 of 1,609,046 alleles (0.0033%); highest among the groups gnomAD compares: South Asian, 0.04%; 1 homozygote.

Submission:

Labcorp Genetics (formerly Invitae), Labcorp
Classification: Uncertain significance for Spondyloepiphyseal dysplasia with congenital joint dislocations. Last evaluated: 2021-08-05. Review status: criteria provided, single submitter. Criteria: Invitae Variant Classification Sherloc (09022015). Collection method: clinical testing. Allele origin: germline.
Comment: In summary, the available evidence is currently insufficient to determine the role of this variant in disease. Therefore, it has been classified as a Variant of Uncertain Significance. This sequence change replaces glutamic acid with lysine at codon 212 of the CHST3 protein (p.Glu212Lys). The glutamic acid residue is moderately conserved and there is a small physicochemical difference between glutamic acid and lysine. This variant is present in population databases (rs371650865, ExAC 0.05%). This variant has not been reported in the literature in individuals affected with CHST3-related conditions. Algorithms developed to predict the effect of missense changes on protein structure and function (SIFT, PolyPhen-2, Align-GVGD) all suggest that this variant is likely to be tolerated.